The following is an entry in ClinVar:

NM_014714.4(IFT140):c.1770+152G>A

Gene: IFT140 (intraflagellar transport 140; minus strand). Cytogenetic location: 16p13.3.
Variant type: single nucleotide variant.
Coding change: c.1770+152G>A on transcript NM_014714.4 (MANE Select); 152 bases into the intron after coding-DNA position 1770, G replaced by A.
Molecular consequence: intron variant.
Genome position (GRCh38, 1-based): chr16:1,568,065, C>T on the plus strand (G>A on the coding strand, the complement: IFT140 is on the minus strand). VCF-style: chr16-1568065-C-T. GRCh37 (hg19) VCF-style: chr16-1618066-C-T.
Identifiers: ClinVar variation 4880892 (VCV004880892.2).

ClinVar aggregate classification (germline): Uncertain significance (1 of 4 stars; one submission).

Conditions:
Saldino-Mainzer syndrome (SRTD9). Also called: CONORENAL SYNDROME; Renal dysplasia, retinal pigmentary dystrophy, cerebellar ataxia and skeletal dysplasia; SHORT-RIB THORACIC DYSPLASIA 9 WITHOUT POLYDACTYLY; short-rib thoracic dysplasia 9 with or without polydactyly. Identifiers: Orphanet 140969, MedGen C1849437, MONDO:0009964, OMIM 266920.

gnomAD v4.1: 59 of 632,728 alleles (0.0093%); highest among the groups gnomAD compares: Admixed American, 0.034%; no homozygotes.

Submission:

Dasa
Classification: Uncertain significance for short-rib thoracic dysplasia 9 with or without polydactyly. Last evaluated: 2025-10-17. Review status: criteria provided, single submitter. Criteria: DASA Assertion Criteria. Collection method: clinical testing. Allele origin: germline.
Comment: NM_014714.4(IFT140):c.1770+152G>A is an intronic variant. This variant is rare in population databases. Computational prediction algorithms are consistent with a deleterious effect. The currently available literature and clinical evidence are not sufficient to establish a definitive association between this variant and the reported condition. Therefore, this variant is classified as a variant of uncertain significance.